The following is an entry in ClinVar:

ClinVar aggregate classification (germline): Uncertain significance (1 of 4 stars; one submission).

Conditions:
PKD1L1-related disorder. Also called: PKD1L1-related condition.

gnomAD v4.1: 24 of 1,589,406 alleles (0.0015%); highest among the groups gnomAD compares: South Asian, 0.008%; no homozygotes.

Submission:

PreventionGenetics, part of Exact Sciences
Classification: Uncertain significance for PKD1L1-related condition. Last evaluated: 2025-09-13. Review status: criteria provided, single submitter. Criteria: ACMG Guidelines, 2015. Collection method: clinical testing. Allele origin: germline.
Comment: The PKD1L1 c.5599G>A variant is predicted to result in the amino acid substitution p.Asp1867Asn. To our knowledge, this variant has not been reported in the literature. This variant is reported in 0.023% of alleles in individuals of South Asian descent in gnomAD. At this time, the clinical significance of this variant is uncertain due to the absence of conclusive functional and genetic evidence.

NM_138295.5(PKD1L1):c.5599G>A (p.Asp1867Asn)

Gene: PKD1L1 (polycystin 1 like 1, transient receptor potential channel interacting; minus strand). Cytogenetic location: 7p12.3.
Variant type: single nucleotide variant.
Coding change: c.5599G>A on transcript NM_138295.5 (MANE Select); coding-DNA position 5599, G replaced by A.
Protein change: p.Asp1867Asn; replaces aspartic acid 1867 with asparagine.
Molecular consequence: missense variant.
Genome position (GRCh38, 1-based): chr7:47,839,616, C>T on the plus strand (G>A on the coding strand, the complement: PKD1L1 is on the minus strand). VCF-style: chr7-47839616-C-T. GRCh37 (hg19) VCF-style: chr7-47879214-C-T.
Other names: short protein forms D1867N.
Identifiers: ClinVar variation 4977915 (VCV004977915.1).